The following is an entry in ClinVar:

ClinVar aggregate classification (germline): Uncertain significance (1 of 4 stars; one submission).

Conditions:
Hereditary sensory and autonomic neuropathy type 6. Also called: Neuropathy, hereditary sensory and autonomic, type VI; HSAN VI. Identifiers: Orphanet 314381, MedGen C3539003, MONDO:0013839, OMIM 614653.
Epidermolysis bullosa simplex 3, localized or generalized intermediate, with BP230 deficiency (EBS3). Also called: Epidermolysis bullosa simplex due to BP230 deficiency; Epidermolysis bullosa simplex, autosomal recessive 2. Identifiers: Orphanet 412181, MedGen C3809470, MONDO:0014180, OMIM 615425.

Allele frequency attached by ClinVar (database versions not stated): gnomAD exomes below 0.00001.
gnomAD v4.1: 3 of 1,614,192 alleles (0.00019%); highest among the groups gnomAD compares: South Asian, 0.0022%; no homozygotes.

Submission:

Labcorp Genetics (formerly Invitae), Labcorp
Classification: Uncertain significance for Epidermolysis bullosa simplex 3, localized or generalized intermediate, with BP230 deficiency; Hereditary sensory and autonomic neuropathy type 6. Last evaluated: 2021-08-31. Review status: criteria provided, single submitter. Criteria: Invitae Variant Classification Sherloc (09022015). Collection method: clinical testing. Allele origin: germline.
Comment: This sequence change replaces isoleucine with valine at codon 1982 of the DST protein (p.Ile1982Val). The isoleucine residue is weakly conserved and there is a small physicochemical difference between isoleucine and valine. This variant is not present in population databases (ExAC no frequency). This variant has not been reported in the literature in individuals affected with DST-related conditions. Algorithms developed to predict the effect of missense changes on protein structure and function (SIFT, PolyPhen-2, Align-GVGD) all suggest that this variant is likely to be tolerated. In summary, the available evidence is currently insufficient to determine the role of this variant in disease. Therefore, it has been classified as a Variant of Uncertain Significance.

NM_001723.7(DST):c.5944A>G (p.Ile1982Val)

Gene: DST (dystonin; minus strand). Cytogenetic location: 6p12.1.
Variant type: single nucleotide variant.
Coding change: c.5944A>G on transcript NM_001723.7 (MANE Plus Clinical); coding-DNA position 5944, A replaced by G.
Protein change: p.Ile1982Val; replaces isoleucine 1982 with valine.
Molecular consequence: missense variant. On other transcripts: intron variant (10).
Genome position (GRCh38, 1-based): chr6:56,618,090, T>C on the plus strand (A>G on the coding strand, the complement: DST is on the minus strand). VCF-style: chr6-56618090-T-C. GRCh37 (hg19) VCF-style: chr6-56482888-T-C.
Other names: c.4831-3606A>G (NM_001144769.5); c.4930-3606A>G (NM_001374722.1, NM_001374736.1); c.4957-3606A>G (NM_001374734.1); c.4417-3606A>G (NM_001144770.2); c.4297-3606A>G (NM_001374730.1, NM_001386100.1, NM_183380.4 and 1 more transcripts); c.3319-3606A>G (NM_015548.5); short protein forms I1982V.
Identifiers: ClinVar variation 1482492 (VCV001482492.6), dbSNP rs2098646532, ClinGen allele CA364566236.